The following is an entry in ClinVar:

ClinVar aggregate classification (germline): Uncertain significance (1 of 4 stars; one submission).

Conditions:
Inborn genetic diseases. Identifiers: MedGen C0950123, MeSH D030342.

Submission:

Ambry Genetics
Classification: Uncertain significance for Inborn genetic diseases. Last evaluated: 2025-05-05. Review status: criteria provided, single submitter. Criteria: Ambry Variant Classification Scheme 2023. Collection method: clinical testing. Allele origin: germline.
Comment: The c.452A>T (p.D151V) alteration is located in exon 4 (coding exon 4) of the DNM1 gene. This alteration results from an A to T substitution at nucleotide position 452, causing the aspartic acid (D) at amino acid position 151 to be replaced by a valine (V). This variant was not reported in population-based cohorts in the Genome Aggregation Database (gnomAD). This amino acid position is highly conserved in available vertebrate species. This missense alteration is located in a region that has a low rate of benign missense variation (Lek, 2016; Firth, 2009). This alteration is predicted to be deleterious by in silico analysis. Based on insufficient or conflicting evidence, the clinical significance of this alteration remains unclear.

NM_004408.4(DNM1):c.452A>T (p.Asp151Val)

Genes: DNM1 (dynamin 1; plus strand), LOC113839516 (Sharpr-MPRA regulatory region 8497; plus strand). Cytogenetic location: 9q34.11.
Variant type: single nucleotide variant.
Coding change: c.452A>T on transcript NM_004408.4 (MANE Select); coding-DNA position 452, A replaced by T.
Protein change: p.Asp151Val; replaces aspartic acid 151 with valine.
Molecular consequence: missense variant.
Genome position (GRCh38, 1-based): chr9:128,219,115, A>T. VCF-style: chr9-128219115-A-T. GRCh37 (hg19) VCF-style: chr9-130981394-A-T.
Other names: c.452A>T, p.Asp151Val (NM_001005336.3, NM_001288737.2, NM_001288738.2 and 2 more transcripts); short protein forms D151V.
Identifiers: ClinVar variation 4013834 (VCV004013834.1).